The following is an entry in ClinVar:

ClinVar aggregate classification (germline): Uncertain significance. Review status: criteria provided, multiple submitters, no conflicts (2 of 4 stars). 2 submissions from 2 submitters: Uncertain significance (2). Last evaluated 2024-06-04.

Conditions:
Singleton-Merten syndrome 1 (SGMRT1). Also called: Widened medullary cavities of bone, aortic calcification, abnormal dentition, and muscular weakness; Syndrome of widened medullary cavities of the metacarpals and phalanges, aortic calcification and abnormal dentition. Identifiers: Orphanet 85191, MedGen C4225427, MONDO:0024535, OMIM 182250.
Aicardi-Goutieres syndrome 7 (AGS7). Identifiers: Orphanet 51, MedGen C3888244, MONDO:0014367, OMIM 615846.

Allele frequency attached by ClinVar (database versions not stated): gnomAD exomes below 0.00001.

Submissions (2):

Blueprint Genetics
Classification: Uncertain significance. Last evaluated: 2024-06-04. Review status: criteria provided, single submitter. Criteria: ACMG Guidelines, 2015. Collection method: clinical testing. Allele origin: germline.

Labcorp Genetics (formerly Invitae), Labcorp
Classification: Uncertain significance for Aicardi-Goutieres syndrome 7; Singleton-Merten syndrome 1. Last evaluated: 2023-08-03. Review status: criteria provided, single submitter. Criteria: Invitae Variant Classification Sherloc (09022015). Collection method: clinical testing. Allele origin: germline.
Comment: This variant has not been reported in the literature in individuals affected with IFIH1-related conditions. This variant is not present in population databases (gnomAD no frequency). This sequence change replaces aspartic acid, which is acidic and polar, with glycine, which is neutral and non-polar, at codon 148 of the IFIH1 protein (p.Asp148Gly). Advanced modeling of protein sequence and biophysical properties (such as structural, functional, and spatial information, amino acid conservation, physicochemical variation, residue mobility, and thermodynamic stability) has been performed at Invitae for this missense variant, however the output from this modeling did not meet the statistical confidence thresholds required to predict the impact of this variant on IFIH1 protein function. In summary, the available evidence is currently insufficient to determine the role of this variant in disease. Therefore, it has been classified as a Variant of Uncertain Significance.

NM_022168.4(IFIH1):c.443A>G (p.Asp148Gly)

Gene: IFIH1 (interferon induced with helicase C domain 1; minus strand). Cytogenetic location: 2q24.2.
Variant type: single nucleotide variant.
Coding change: c.443A>G on transcript NM_022168.4 (MANE Select); coding-DNA position 443, A replaced by G.
Protein change: p.Asp148Gly; replaces aspartic acid 148 with glycine.
Molecular consequence: missense variant.
Genome position (GRCh38, 1-based): chr2:162,317,865, T>C on the plus strand (A>G on the coding strand, the complement: IFIH1 is on the minus strand). VCF-style: chr2-162317865-T-C. GRCh37 (hg19) VCF-style: chr2-163174375-T-C.
Other names: short protein forms D148G.
Identifiers: ClinVar variation 2939069 (VCV002939069.4), dbSNP rs2469005191, ClinGen allele CA349013255.